The following is an entry in ClinVar:

NM_213649.2(SFXN4):c.51C>T (p.Arg17=)

Genes: SFXN4 (sideroflexin 4; minus strand), LOC130004825 (ATAC-STARR-seq lymphoblastoid silent region 2869; plus strand). Cytogenetic location: 10q26.11.
Variant type: single nucleotide variant.
Coding change: c.51C>T on transcript NM_213649.2 (MANE Select); coding-DNA position 51, C replaced by T.
Protein change: p.Arg17=; no amino-acid change (arginine 17 retained).
Molecular consequence: synonymous variant. On other transcripts: non-coding transcript variant (1).
Genome position (GRCh38, 1-based): chr10:119,165,597, G>A on the plus strand (C>T on the coding strand, the complement: SFXN4 is on the minus strand). VCF-style: chr10-119165597-G-A. GRCh37 (hg19) VCF-style: chr10-120925109-G-A.
Identifiers: ClinVar variation 515352 (VCV000515352.1), dbSNP rs1554889712, ClinGen allele CA471628459.

ClinVar aggregate classification (germline): Likely benign (1 of 4 stars; one submission).

Submission:

GeneDx
Classification: Likely benign. Last evaluated: 2018-02-23. Review status: criteria provided, single submitter. Criteria: GeneDx Variant Classification (06012015). Collection method: clinical testing. Allele origin: germline. Affected: yes.
Comment: This variant is considered likely benign or benign based on one or more of the following criteria: it is a conservative change, it occurs at a poorly conserved position in the protein, it is predicted to be benign by multiple in silico algorithms, and/or has population frequency not consistent with disease.